The following is an entry in ClinVar:

NM_173560.4(RFX6):c.566+5G>C

Gene: RFX6 (regulatory factor X6; plus strand). Cytogenetic location: 6q22.1.
Variant type: single nucleotide variant.
Coding change: c.566+5G>C on transcript NM_173560.4 (MANE Select); 5 bases into the intron after coding-DNA position 566, G replaced by C.
Molecular consequence: intron variant.
Genome position (GRCh38, 1-based): chr6:116,882,433, G>C. VCF-style: chr6-116882433-G-C. GRCh37 (hg19) VCF-style: chr6-117203596-G-C.
Identifiers: ClinVar variation 1345343 (VCV001345343.6), dbSNP rs2114662145, ClinGen allele CA2573140426.

ClinVar aggregate classification (germline): Uncertain significance (1 of 4 stars; one submission).

Submission:

Labcorp Genetics (formerly Invitae), Labcorp
Classification: Uncertain significance. Last evaluated: 2025-10-26. Review status: criteria provided, single submitter. Criteria: Invitae Variant Classification Sherloc (09022015). Collection method: clinical testing. Allele origin: germline.
Comment: This sequence change falls in intron 4 of the RFX6 gene. It does not directly change the encoded amino acid sequence of the RFX6 protein. It affects a nucleotide within the consensus splice site. This variant is not present in population databases (gnomAD no frequency). This variant has not been reported in the literature in individuals affected with RFX6-related conditions. ClinVar contains an entry for this variant (Variation ID: 1345343). Variants that disrupt the consensus splice site are a relatively common cause of aberrant splicing (PMID: 17576681, 9536098). Algorithms developed to predict the effect of sequence changes on RNA splicing suggest that this variant may disrupt the consensus splice site. In summary, the available evidence is currently insufficient to determine the role of this variant in disease. Therefore, it has been classified as a Variant of Uncertain Significance.

Literature cited by the submitters: PubMed 17576681; PubMed 9536098.